The following is an entry in ClinVar:

NM_145199.3(LIPT1):c.452G>A (p.Arg151Lys)

Genes: MITD1 (microtubule interacting and trafficking domain containing 1; minus strand), LIPT1 (lipoyltransferase 1; plus strand). Cytogenetic location: 2q11.2.
Variant type: single nucleotide variant.
Coding change: c.452G>A on transcript NM_145199.3 (MANE Select); coding-DNA position 452, G replaced by A.
Protein change: p.Arg151Lys; replaces arginine 151 with lysine.
Molecular consequence: missense variant. On other transcripts: non-coding transcript variant (2).
Genome position (GRCh38, 1-based): chr2:99,162,409, G>A. VCF-style: chr2-99162409-G-A. GRCh37 (hg19) VCF-style: chr2-99778872-G-A.
Other names: c.452G>A (NM_001204830.1); c.452G>A, p.Arg151Lys (NM_001204830.2, NM_015929.4, NM_145197.3 and 1 more transcripts); short protein forms R151K.
Identifiers: ClinVar variation 727071 (VCV000727071.14), dbSNP rs150683925, ClinGen allele CA1797318.

ClinVar aggregate classification (germline): Conflicting classifications of pathogenicity. Review status: criteria provided, conflicting classifications (1 of 4 stars). 4 submissions from 4 submitters: Uncertain significance (1); Likely benign (2). 1 of the submissions does not count toward it. Last evaluated 2025-12-11.

Conditions:
Inborn genetic diseases. Identifiers: MedGen C0950123, MeSH D030342.
LIPT1-related disorder. Also called: LIPT1-related condition.

Allele frequency attached by ClinVar (database versions not stated): ExAC 0.00030; 1000 Genomes Project 0.00060; 1000 Genomes Project 30x 0.00062; TOPMed 0.00065; gnomAD 0.00068 and 0.00073; ESP Exome Variant Server 0.00069.
gnomAD v4.1: 194 of 1,613,990 alleles (0.012%); highest among the groups gnomAD compares: African/African-American, 0.25%; no homozygotes.

Submissions (4):

Labcorp Genetics (formerly Invitae), Labcorp
Classification: Likely benign. Last evaluated: 2025-12-11. Review status: criteria provided, single submitter. Criteria: Invitae Variant Classification Sherloc (09022015). Collection method: clinical testing. Allele origin: germline.

Ambry Genetics
Classification: Likely benign for Inborn genetic diseases. Last evaluated: 2025-01-24. Review status: criteria provided, single submitter. Criteria: Ambry Variant Classification Scheme 2023. Collection method: clinical testing. Allele origin: germline.

GeneDx
Classification: Uncertain significance. Last evaluated: 2022-11-21. Review status: criteria provided, single submitter. Criteria: GeneDx Variant Classification Process June 2021. Collection method: clinical testing. Allele origin: germline. Affected: yes.
Comment: In silico analysis supports that this missense variant does not alter protein structure/function; Has not been previously published as pathogenic or benign to our knowledge

PreventionGenetics, part of Exact Sciences
Classification: Likely benign for LIPT1-related condition. Last evaluated: 2023-07-30. Review status: no assertion criteria provided. Collection method: clinical testing. Allele origin: germline. Not counted in ClinVar's aggregate classification.
Comment: This variant is classified as likely benign based on ACMG/AMP sequence variant interpretation guidelines (Richards et al. 2015 PMID: 25741868, with internal and published modifications).